The following is an entry in ClinVar:

NM_007272.3(CTRC):c.82G>T (p.Ala28Ser)

Gene: CTRC (chymotrypsin C; plus strand). Cytogenetic location: 1p36.21.
Variant type: single nucleotide variant.
Coding change: c.82G>T on transcript NM_007272.3 (MANE Select); coding-DNA position 82, G replaced by T.
Protein change: p.Ala28Ser; replaces alanine 28 with serine.
Molecular consequence: missense variant.
Genome position (GRCh38, 1-based): chr1:15,440,341, G>T. VCF-style: chr1-15440341-G-T. GRCh37 (hg19) VCF-style: chr1-15766837-G-T.
Other names: short protein forms A28S.
Identifiers: ClinVar variation 1762834 (VCV001762834.2), dbSNP rs768414501, ClinGen allele CA338564573.

ClinVar aggregate classification (germline): Uncertain significance (1 of 4 stars; one submission).

Conditions:
Hereditary pancreatitis (PCTT). Also called: PRSS1-Related Hereditary Pancreatitis; Hereditary chronic pancreatitis. Identifiers: Orphanet 676, MedGen C0238339, MONDO:0008185, OMIM 167800.

gnomAD v4.1: 2 of 1,603,692 alleles (0.00012%); highest among the groups gnomAD compares: Non-Finnish European, 0.00017%; no homozygotes.

Submission:

Ambry Genetics
Classification: Uncertain significance for Hereditary pancreatitis. Last evaluated: 2022-08-22. Review status: criteria provided, single submitter. Criteria: Ambry Variant Classification Scheme 2023. Collection method: clinical testing. Allele origin: germline.
Comment: The p.A28S variant (also known as c.82G>T), located in coding exon 2 of the CTRC gene, results from a G to T substitution at nucleotide position 82. The alanine at codon 28 is replaced by serine, an amino acid with similar properties. This amino acid position is conserved. In addition, this alteration is predicted to be tolerated by in silico analysis. Since supporting evidence is limited at this time, the clinical significance of this alteration remains unclear.